The following is an entry in ClinVar:

ClinVar aggregate classification (germline): Uncertain significance (1 of 4 stars; one submission).

Conditions:
Hereditary cancer-predisposing syndrome. Also called: Hereditary neoplastic syndrome; Neoplastic Syndromes, Hereditary; Tumor predisposition; Hereditary Cancer Syndrome. Identifiers: Orphanet 140162, MedGen C0027672, MeSH D009386, MONDO:0015356.

Submission:

Ambry Genetics
Classification: Uncertain significance for Hereditary cancer-predisposing syndrome. Last evaluated: 2025-06-29. Review status: criteria provided, single submitter. Criteria: Ambry Variant Classification Scheme 2023. Collection method: clinical testing. Allele origin: germline.
Comment: The p.R903S variant (also known as c.2709A>C), located in coding exon 16 of the RAD50 gene, results from an A to C substitution at nucleotide position 2709. The arginine at codon 903 is replaced by serine, an amino acid with dissimilar properties. This amino acid position is conserved. In addition, the in silico prediction for this alteration is inconclusive. Based on the available evidence, the clinical significance of this variant remains unclear.

NM_005732.4(RAD50):c.2709A>C (p.Arg903Ser)

Gene: RAD50 (RAD50 double strand break repair protein; plus strand). Cytogenetic location: 5q31.1.
Variant type: single nucleotide variant.
Coding change: c.2709A>C on transcript NM_005732.4 (MANE Select); coding-DNA position 2709, A replaced by C.
Protein change: p.Arg903Ser; replaces arginine 903 with serine.
Molecular consequence: missense variant.
Genome position (GRCh38, 1-based): chr5:132,604,990, A>C. VCF-style: chr5-132604990-A-C. GRCh37 (hg19) VCF-style: chr5-131940682-A-C.
Other names: short protein forms R903S.
Identifiers: ClinVar variation 4149720 (VCV004149720.1).
Genomic context (GRCh38, chr5:132,604,990, plus strand): 5'-TCGTCAGCAACTGGAGGAGCAGACTGTGGAATTATCCACTGAAGTTCAGTCTTTGTACAG[A>C]GAGATAAAGGTAAGAATATCCATACATGTTTTTTGTAAAATTATTTTAATTATTTATTTT-3'
Protein context (NP_005723.2, residues 893-913): ELSTEVQSLY[Arg903Ser]EIKDAKEQVS